The following is an entry in ClinVar:

NM_003482.4(KMT2D):c.13889del (p.Pro4630fs)

Gene: KMT2D (lysine methyltransferase 2D; minus strand). Cytogenetic location: 12q13.12.
Variant type: Deletion.
Coding change: c.13889del on transcript NM_003482.4 (MANE Select); coding-DNA position 13889, one base deleted (C; older notation c.13889delC).
Protein change: p.Pro4630fs; shifts the reading frame from proline 4630.
Molecular consequence: frameshift variant.
Genome position (GRCh38, 1-based): chr12:49,030,390, G deleted on the plus strand (C on the coding strand, the reverse complement: KMT2D is on the minus strand); the first of 4 consecutive G bases (chr12:49,030,390-49,030,393); deleting any one gives the same sequence. VCF-style (leftmost placement, unchanged base first): chr12-49030389-TG-T. GRCh37 (hg19) VCF-style: chr12-49424172-TG-T.
Other names: short protein forms P4630fs.
Identifiers: ClinVar variation 2765908 (VCV002765908.5), dbSNP rs2120403375, ClinGen allele CA2618607079.

ClinVar aggregate classification (germline): Pathogenic. Review status: criteria provided, multiple submitters, no conflicts (2 of 4 stars). 2 submissions from 2 submitters: Pathogenic (2). Last evaluated 2023-10-05.

Conditions:
Kabuki syndrome. Also called: NIIKAWA-KUROKI SYNDROME; Kabuki make-up syndrome. Identifiers: Orphanet 2322, MedGen C0796004, MONDO:0016512.

Submissions (2):

Labcorp Genetics (formerly Invitae), Labcorp
Classification: Pathogenic for Kabuki syndrome. Last evaluated: 2023-10-05. Review status: criteria provided, single submitter. Criteria: Invitae Variant Classification Sherloc (09022015). Collection method: clinical testing. Allele origin: germline.
Comment: This sequence change creates a premature translational stop signal (p.Pro4630Hisfs*10) in the KMT2D gene. It is expected to result in an absent or disrupted protein product. Loss-of-function variants in KMT2D are known to be pathogenic (PMID: 22126750). This variant is not present in population databases (gnomAD no frequency). This variant has not been reported in the literature in individuals affected with KMT2D-related conditions. For these reasons, this variant has been classified as Pathogenic.

Centre of Medical Genetics, University Hospital Muenster
Classification: Pathogenic. Last evaluated: 2023-06-21. Review status: criteria provided, single submitter. Criteria: ACMG Guidelines, 2015. Collection method: clinical testing. Allele origin: unknown. Affected: yes. Observed: 1 variant allele, 1 heterozygote.
Comment: ACMG categories: PVS1,PS1,PM2

Literature cited by the submitters: PubMed 22126750 (cited by Labcorp Genetics (formerly Invitae), Labcorp).